The following is an entry in ClinVar:

NM_000173.7(GP1BA):c.1290C>T (p.Pro430=)

Gene: GP1BA (glycoprotein Ib platelet subunit alpha; plus strand). Cytogenetic location: 17p13.2.
Variant type: single nucleotide variant.
Coding change: c.1290C>T on transcript NM_000173.7 (MANE Select); coding-DNA position 1290, C replaced by T.
Protein change: p.Pro430=; no amino-acid change (proline 430 retained).
Molecular consequence: synonymous variant.
Genome position (GRCh38, 1-based): chr17:4,933,894, C>T. VCF-style: chr17-4933894-C-T. GRCh37 (hg19) VCF-style: chr17-4837189-C-T.
Identifiers: ClinVar variation 3030475 (VCV003030475.2), dbSNP rs1970381829, ClinGen allele CA497678047.

ClinVar aggregate classification (germline): Likely benign (0 of 4 stars; one submission).

Conditions:
GP1BA-related disorder. Also called: GP1BA-related condition.

Submission:

PreventionGenetics, part of Exact Sciences
Classification: Likely benign for GP1BA-related condition. Last evaluated: 2021-08-19. Review status: no assertion criteria provided. Collection method: clinical testing. Allele origin: germline.
Comment: This variant is classified as likely benign based on ACMG/AMP sequence variant interpretation guidelines (Richards et al. 2015 PMID: 25741868, with internal and published modifications).